The following is an entry in ClinVar:

ClinVar aggregate classification (germline): Conflicting classifications of pathogenicity. Review status: criteria provided, conflicting classifications (1 of 4 stars). 7 submissions from 7 submitters: Uncertain significance (5); Likely benign (2). Last evaluated 2026-04-10.

Conditions:
Hereditary cancer-predisposing syndrome. Also called: Tumor predisposition; Hereditary neoplastic syndrome; Neoplastic Syndromes, Hereditary; Hereditary Cancer Syndrome. Identifiers: Orphanet 140162, MedGen C0027672, MeSH D009386, MONDO:0015356.
Tuberous sclerosis syndrome (TSC). Also called: Tuberous Sclerosis Complex; Tuberous sclerosis. Identifiers: Orphanet 805, MedGen C0041341, MONDO:0001734.
Isolated focal cortical dysplasia type II (FCORD2). Also called: Focal cortical dysplasia type II; CORTICAL DYSPLASIA OF TAYLOR. Identifiers: Orphanet 268994, MedGen C1846385, MONDO:0011818, OMIM 607341, HP:0032051.
Tuberous sclerosis 2 (TSC2). Identifiers: Orphanet 805, MedGen C1860707, MONDO:0013199, OMIM 613254.

Allele frequency attached by ClinVar (database versions not stated): 1000 Genomes Project 30x 0.00031; TOPMed 0.00002.
gnomAD v4.1: 7 of 1,597,204 alleles (0.00044%); highest among the groups gnomAD compares: Non-Finnish European, 0.0006%; no homozygotes.

Submissions (7):

Ambry Genetics
Classification: Uncertain significance for Hereditary cancer-predisposing syndrome. Last evaluated: 2026-04-10. Review status: criteria provided, single submitter. Criteria: Ambry Variant Classification Scheme 2023. Collection method: clinical testing. Allele origin: germline.
Comment: The p.R680L variant (also known as c.2039G>T), located in coding exon 18 of the TSC2 gene, results from a G to T substitution at nucleotide position 2039. The arginine at codon 680 is replaced by leucine, an amino acid with dissimilar properties. This variant was detected as heterozygous in individual(s) with no reported features of tuberous sclerosis complex (Ambry internal data). This amino acid position is highly conserved in available vertebrate species. In addition, this alteration is predicted to be deleterious by in silico analysis. Based on the available evidence, the clinical significance of this variant remains unclear.

Labcorp Genetics (formerly Invitae), Labcorp
Classification: Likely benign for Tuberous sclerosis 2. Last evaluated: 2026-01-20. Review status: criteria provided, single submitter. Criteria: Invitae Variant Classification Sherloc (09022015). Collection method: clinical testing. Allele origin: germline.

All of Us Research Program, National Institutes of Health
Classification: Uncertain significance for Tuberous sclerosis syndrome. Last evaluated: 2024-07-10. Review status: criteria provided, single submitter. Criteria: ACMG Guidelines, 2015. Collection method: clinical testing. Allele origin: germline. Inheritance: Autosomal dominant inheritance. Observed: 6 variant alleles, 6 heterozygotes.
Comment: This missense variant replaces arginine with leucine at codon 680 of the TSC2 protein. Computational prediction is inconclusive regarding the impact of this variant on protein structure and function (internally defined REVEL score threshold 0.5 < inconclusive < 0.7, PMID: 27666373). To our knowledge, functional studies have not been reported for this variant. This variant has not been reported in individuals affected with tuberous sclerosis complex in the literature. This variant has been identified in 1/216472 chromosomes in the general population by the Genome Aggregation Database (gnomAD). The available evidence is insufficient to determine the role of this variant in disease conclusively. Therefore, this variant is classified as a Variant of Uncertain Significance.

This study involves interpretation of variants in research participants for the purpose of population health screening. Participant phenotype was not available at the time of variant classification. Additional details can be found in publication PMID: 35346344, PMCID: PMC8962531

Mayo Clinic Laboratories, Mayo Clinic
Classification: Uncertain significance. Last evaluated: 2024-04-24. Review status: criteria provided, single submitter. Criteria: ACMG Guidelines, 2015. Collection method: clinical testing. Allele origin: germline. Observed: 1 variant allele.

GeneDx
Classification: Uncertain significance. Last evaluated: 2024-03-11. Review status: criteria provided, single submitter. Criteria: GeneDx Variant Classification Process June 2021. Collection method: clinical testing. Allele origin: germline. Affected: yes.
Comment: In silico analysis supports that this missense variant has a deleterious effect on protein structure/function; Has not been previously published as pathogenic or benign to our knowledge

Baylor Genetics
Classification: Uncertain significance for Isolated focal cortical dysplasia type II. Last evaluated: 2023-06-06. Review status: criteria provided, single submitter. Criteria: ACMG Guidelines, 2015. Collection method: clinical testing. Allele origin: unknown.

Genome-Nilou Lab
Classification: Likely benign for Tuberous sclerosis 2. Last evaluated: 2021-11-07. Review status: criteria provided, single submitter. Criteria: ACMG Guidelines, 2015. Collection method: clinical testing. Allele origin: germline. Affected: no.

NM_000548.5(TSC2):c.2039G>T (p.Arg680Leu)

Gene: TSC2 (TSC complex subunit 2; plus strand). Cytogenetic location: 16p13.3.
Variant type: single nucleotide variant.
Coding change: c.2039G>T on transcript NM_000548.5 (MANE Select); coding-DNA position 2039, G replaced by T.
Protein change: p.Arg680Leu; replaces arginine 680 with leucine.
Molecular consequence: missense variant.
Genome position (GRCh38, 1-based): chr16:2,071,876, G>T. VCF-style: chr16-2071876-G-T. GRCh37 (hg19) VCF-style: chr16-2121877-G-T.
Other names: p.Arg680Leu; c.2039G>T, p.Arg680Leu (NM_001077183.3, NM_001114382.3, NM_001363528.2 and 3 more transcripts); c.1928G>T, p.Arg643Leu (NM_001318827.2); c.1892G>T, p.Arg631Leu (NM_001318829.2); c.1439G>T, p.Arg480Leu (NM_001318831.2); c.2072G>T, p.Arg691Leu (NM_001318832.2); short protein forms R680L, R691L, R480L, R631L, R643L.
Identifiers: ClinVar variation 535981 (VCV000535981.28), dbSNP rs756536921, ClinGen allele CA394274563.